The following is an entry in ClinVar:

ClinVar aggregate classification (germline): Benign/Likely benign. Review status: criteria provided, multiple submitters, no conflicts (2 of 4 stars). 18 submissions from 17 submitters: Benign (14); Likely benign (2). 2 of the submissions do not count toward it. Last evaluated 2026-02-04.

Conditions:
Cardiovascular phenotype. Identifiers: MedGen CN230736.
Familial thoracic aortic aneurysm and aortic dissection (TAAD). Also called: Thoracic aortic aneurysms and dissections. Identifiers: Orphanet 91387, MedGen C4707243, MONDO:0019625.
Aortic aneurysm, familial thoracic 4 (AAT4). Also called: AORTIC ANEURYSM/AORTIC DISSECTION AND PATENT DUCTUS ARTERIOSUS. Identifiers: MedGen C1851504, MONDO:0007568, OMIM 132900.

Allele frequency attached by ClinVar (database versions not stated): TOPMed 0.02633; gnomAD exomes 0.02919 and 0.03733; gnomAD 0.02921 and 0.03006; ExAC 0.03071; ESP Exome Variant Server 0.03109; 1000 Genomes Project 30x 0.01171; 1000 Genomes Project 0.01178.
gnomAD v4.1: 58,617 of 1,611,816 alleles (3.6%); highest among the groups gnomAD compares: Non-Finnish European, 4.3%; 1,344 homozygotes.

Submissions (18):

Labcorp Genetics (formerly Invitae), Labcorp
Classification: Benign for Aortic aneurysm, familial thoracic 4. Last evaluated: 2026-02-04. Review status: criteria provided, single submitter. Criteria: Invitae Variant Classification Sherloc (09022015). Collection method: clinical testing. Allele origin: germline.

ARUP Laboratories, Molecular Genetics and Genomics, ARUP Laboratories
Classification: Benign. Last evaluated: 2025-07-25. Review status: criteria provided, single submitter. Criteria: ARUP Molecular Germline Variant Investigation Process 2024. Collection method: clinical testing. Allele origin: germline.

Molecular Diagnostic Laboratory for Inherited Cardiovascular Disease, Montreal Heart Institute
Classification: Benign. Last evaluated: 2025-04-09. Review status: criteria provided, single submitter. Criteria: ACMG Guidelines, 2015. Collection method: clinical testing. Allele origin: germline. Affected: no.

Blueprint Genetics
Classification: Benign. Last evaluated: 2024-11-26. Review status: criteria provided, single submitter. Criteria: ACMG Guidelines, 2015. Collection method: clinical testing. Allele origin: germline.

All of Us Research Program, National Institutes of Health
Classification: Benign for Familial thoracic aortic aneurysm and aortic dissection. Last evaluated: 2024-10-03. Review status: criteria provided, single submitter. Criteria: ACMG Guidelines, 2015. Collection method: clinical testing. Allele origin: germline. Inheritance: Autosomal dominant inheritance. Observed: 9,934 variant alleles, 9,739 heterozygotes, 193 homozygotes, 2 hemizygotes.
Comment: This study involves interpretation of variants in research participants for the purpose of population health screening. Participant phenotype was not available at the time of variant classification. Additional details can be found in publication PMID: 35346344, PMCID: PMC8962531

Color Diagnostics, LLC DBA Color Health
Classification: Benign for Familial thoracic aortic aneurysm and aortic dissection. Last evaluated: 2018-03-09. Review status: criteria provided, single submitter. Criteria: ACMG Guidelines, 2015. Collection method: clinical testing. Allele origin: germline.

Illumina Laboratory Services, Illumina
Classification: Benign for Aortic aneurysm, familial thoracic 4. Last evaluated: 2018-01-13. Review status: criteria provided, single submitter. Criteria: ICSL Variant Classification Criteria 13 December 2019. Collection method: clinical testing. Allele origin: germline.
Comment: This variant was observed in the ICSL laboratory as part of a predisposition screen in an ostensibly healthy population. It had not been previously curated by ICSL or reported in the Human Gene Mutation Database (HGMD: prior to June 1st, 2018), and was therefore a candidate for classification through an automated scoring system. Utilizing variant allele frequency, disease prevalence and penetrance estimates, and inheritance mode, an automated score was calculated to assess if this variant is too frequent to cause the disease. Based on the score and internal cut-off values, a variant classified as benign is not then subjected to further curation. The score for this variant resulted in a classification of benign for this disease.

Center for Human Genetics, Inc
Classification: Likely benign for Aortic aneurysm, familial thoracic 4. Last evaluated: 2016-11-01. Review status: criteria provided, single submitter. Criteria: ACMG Guidelines, 2015. Collection method: clinical testing. Allele origin: germline. Affected: yes.

Ambry Genetics
Classification: Benign for Familial thoracic aortic aneurysm and aortic dissection. Last evaluated: 2015-02-25. Review status: criteria provided, single submitter. Criteria: Ambry Autosomal Dominant and X-Linked criteria (10/2015). Collection method: clinical testing. Allele origin: germline. Observed: 1 variant allele.
Comment: General population or subpopulation frequency is too high to be a pathogenic mutation based on disease/syndrome prevalence and penetrance

Ambry Genetics
Classification: Benign for Cardiovascular phenotype. Last evaluated: 2014-12-23. Review status: criteria provided, single submitter. Criteria: Ambry Autosomal Dominant and X-Linked criteria (10/2015). Collection method: clinical testing. Allele origin: germline. Observed: 1 variant allele.

Genome Diagnostics Laboratory, University Medical Center Utrecht
Classification: Benign for Aortic aneurysm, familial thoracic 4. Last evaluated: 2014-10-10. Review status: criteria provided, single submitter. Criteria: ACGS Guidelines, 2013. Collection method: clinical testing. Allele origin: germline. Affected: yes. Study: VKGL Data-share Consensus.

Mayo Clinic Laboratories, Mayo Clinic
Classification: Benign. Last evaluated: 2014-02-26. Review status: criteria provided, single submitter. Criteria: ACMG Guidelines, 2015. Collection method: clinical testing. Allele origin: germline. Observed: 88 variant alleles.

Laboratory for Molecular Medicine, Mass General Brigham Personalized Medicine
Classification: Benign. Last evaluated: 2013-04-04. Review status: criteria provided, single submitter. Criteria: LMM Criteria. Collection method: clinical testing. Allele origin: germline. Observed: 1 variant allele.
Comment: Tyr271Tyr in exon 9 of MYH11: This variant is not expected to have clinical sign ificance because it does not alter an amino acid residue and is not located with in the splice consensus sequence. It has been identified in 4.2% (364/8600) of E uropean American chromosomes from a broad population by the NHLBI Exome Sequenci ng Project (dbSNP rs34341838).

GeneDx
Classification: Benign. Last evaluated: 2012-11-29. Review status: criteria provided, single submitter. Criteria: GeneDx Variant Classification (06012015). Collection method: clinical testing. Allele origin: germline. Affected: yes.
Comment: This variant is considered likely benign or benign based on one or more of the following criteria: it is a conservative change, it occurs at a poorly conserved position in the protein, it is predicted to be benign by multiple in silico algorithms, and/or has population frequency not consistent with disease.

Breakthrough Genomics
Classification: Likely benign. Review status: criteria provided, single submitter. Criteria: ACMG Guidelines, 2015. Collection method: not provided. Allele origin: germline. Inheritance: Autosomal recessive inheritance. Affected: yes.

PreventionGenetics, part of Exact Sciences
Classification: Benign. Review status: criteria provided, single submitter. Criteria: ACMG Guidelines, 2015. Collection method: clinical testing. Allele origin: germline.

Genome Diagnostics Laboratory, Amsterdam University Medical Center
Classification: Benign for Aortic aneurysm, familial thoracic 4. Last evaluated: 2014-11-19. Review status: no assertion criteria provided. Criteria: ACGS Guidelines, 2013. Collection method: clinical testing. Allele origin: germline. Affected: yes. Study: VKGL Data-share Consensus. Not counted in ClinVar's aggregate classification.

Joint Genome Diagnostic Labs from Nijmegen and Maastricht, Radboudumc and MUMC+
Classification: Likely benign. Review status: no assertion criteria provided. Collection method: clinical testing. Allele origin: germline. Affected: yes. Study: VKGL Data-share Consensus. Not counted in ClinVar's aggregate classification.

NM_002474.3(MYH11):c.792T>C (p.Tyr264=)

Gene: MYH11 (myosin heavy chain 11; minus strand). Cytogenetic location: 16p13.11.
Variant type: single nucleotide variant.
Coding change: c.792T>C on transcript NM_002474.3 (MANE Select); coding-DNA position 792, T replaced by C.
Protein change: p.Tyr264=; no amino-acid change (tyrosine 264 retained).
Molecular consequence: synonymous variant.
Genome position (GRCh38, 1-based): chr16:15,776,175, A>G on the plus strand (T>C on the coding strand, the complement: MYH11 is on the minus strand). VCF-style: chr16-15776175-A-G. GRCh37 (hg19) VCF-style: chr16-15870032-A-G.
Other names: p.Y264Y:TAT>TAC; p.Tyr271=; c.813T>C, p.Tyr271= (NM_001040113.2, NM_001040114.2); c.792T>C, p.Tyr264= (NM_022844.3).
Identifiers: ClinVar variation 138368 (VCV000138368.46), dbSNP rs34341838, ClinGen allele CA292358.